The following is an entry in ClinVar:

ClinVar aggregate classification (germline): Likely pathogenic (1 of 4 stars; one submission).

Conditions:
Hereditary fructosuria. Also called: ALDOB DEFICIENCY; ALDOLASE B DEFICIENCY; FRUCTOSE-1,6-BISPHOSPHATE ALDOLASE B DEFICIENCY; FRUCTOSE-1-PHOSPHATE ALDOLASE DEFICIENCY; FRUCTOSEMIA; Hereditary fructose intolerance. Identifiers: Orphanet 469, MedGen C0016751, MONDO:0009249, OMIM 229600, HP:0005973. Disease mechanism: loss of function.

Submission:

Natera, Inc.
Classification: Likely pathogenic for Fructose intolerance. Last evaluated: 2025-01-16. Review status: criteria provided, single submitter. Criteria: Natera Variant Classification Schema (03/2026). Collection method: clinical testing. Allele origin: germline.
Comment: The c.391_394delinsGTGTA variant in ALDOB is a frameshift variant predicted to shift the reading frame beginning at codon 131 and leads to a stop codon 14 codons downstream. This variant is expected to result in nonsense mediated decay, truncation, or a dysfunctional protein product. This variant is rare in the general population with a frequency below the threshold expected for the associated phenotype(s). Given the available evidence, this variant is classified as Likely Pathogenic.

NM_000035.4(ALDOB):c.391_394delinsGTGTA (p.Leu131fs)

Gene: ALDOB (aldolase, fructose-bisphosphate B; minus strand). Cytogenetic location: 9q31.1.
Variant type: Indel.
Coding change: c.391_394delinsGTGTA on transcript NM_000035.4 (MANE Select); coding-DNA positions 391 to 394, CTCT replaced by GTGTA.
Protein change: p.Leu131fs; shifts the reading frame from leucine 131.
Molecular consequence: frameshift variant.
Genome position (GRCh38, 1-based): chr9:101,427,628-101,427,631, AGAG replaced by TACAC on the plus strand (CTCT replaced by GTGTA on the coding strand, the reverse complement: ALDOB is on the minus strand). VCF-style: chr9-101427628-AGAG-TACAC. GRCh37 (hg19) VCF-style: chr9-104189910-AGAG-TACAC.
Other names: short protein forms L131fs.
Identifiers: ClinVar variation 4818106 (VCV004818106.1).
Genomic context (GRCh38, chr9:101,427,628, plus strand): 5'-GCACAGCACGCCACTTCCCAAAGTCAACACCATCTTTCTTGTACTGAGCACAGCGCTCTG[AGAG>TACAC]GCCATCAAGCCCTGCAAGTCACAAAAGAGAGAAAGGCTTCTTTGTACCTTTGTACCTGAT-3'